The following is an entry in ClinVar:

NM_000168.6(GLI3):c.2961C>T (p.Tyr987=)

Gene: GLI3 (GLI family zinc finger 3; minus strand). Cytogenetic location: 7p14.1.
Variant type: single nucleotide variant.
Coding change: c.2961C>T on transcript NM_000168.6 (MANE Select); coding-DNA position 2961, C replaced by T.
Protein change: p.Tyr987=; no amino-acid change (tyrosine 987 retained).
Molecular consequence: synonymous variant.
Genome position (GRCh38, 1-based): chr7:41,966,112, G>A on the plus strand (C>T on the coding strand, the complement: GLI3 is on the minus strand). VCF-style: chr7-41966112-G-A. GRCh37 (hg19) VCF-style: chr7-42005710-G-A.
Other names: c.2961C>T (NM_000168.5).
Identifiers: ClinVar variation 2169477 (VCV002169477.6), dbSNP rs528703005, ClinGen allele CA4230491.

ClinVar aggregate classification (germline): Benign. Review status: criteria provided, single submitter (1 of 4 stars). 2 submissions from 2 submitters: Benign (1). 1 of the submissions does not count toward it. Last evaluated 2024-09-30.

Conditions:
GLI3-related disorder. Also called: GLI3-related condition; GLI3-related disorders. Identifiers: MedGen CN239292.
Greig cephalopolysyndactyly syndrome (GCPS). Also called: POLYSYNDACTYLY WITH PECULIAR SKULL SHAPE; Greig syndrome; GLI3-Related Greig Cephalopolysyndactyly Syndrome. Identifiers: Orphanet 380, MedGen C0265306, MONDO:0008287, OMIM 175700.
Pallister-Hall syndrome (PHS). Also called: HYPOTHALAMIC HAMARTOBLASTOMA, HYPOPITUITARISM, IMPERFORATE ANUS, AND POSTAXIAL POLYDACTYLY; GLI3-Related Pallister-Hall Syndrome. Identifiers: Orphanet 672, MedGen C0265220, MONDO:0007804, OMIM 146510.

Allele frequency attached by ClinVar (database versions not stated): gnomAD exomes 0.00002; ExAC 0.00004; gnomAD 0.00005; TOPMed 0.00006; 1000 Genomes Project 0.00040; 1000 Genomes Project 30x 0.00062.
gnomAD v4.1: 42 of 1,576,330 alleles (0.0027%); highest among the groups gnomAD compares: South Asian, 0.026%; no homozygotes.

Submissions (2):

Labcorp Genetics (formerly Invitae), Labcorp
Classification: Benign for Pallister-Hall syndrome; Greig cephalopolysyndactyly syndrome. Last evaluated: 2024-09-30. Review status: criteria provided, single submitter. Criteria: Invitae Variant Classification Sherloc (09022015). Collection method: clinical testing. Allele origin: germline.

PreventionGenetics, part of Exact Sciences
Classification: Likely benign for GLI3-related condition. Last evaluated: 2023-10-18. Review status: no assertion criteria provided. Collection method: clinical testing. Allele origin: germline. Not counted in ClinVar's aggregate classification.
Comment: This variant is classified as likely benign based on ACMG/AMP sequence variant interpretation guidelines (Richards et al. 2015 PMID: 25741868, with internal and published modifications).